The following is an entry in ClinVar:

NM_001370785.2(LRRC7):c.2384G>A (p.Arg795Gln)

Genes: LRRC7 (leucine rich repeat containing 7; plus strand), LRRC7-AS1 (LRRC7 antisense RNA 1; minus strand). Cytogenetic location: 1p31.1.
Variant type: single nucleotide variant.
Coding change: c.2384G>A on transcript NM_001370785.2 (MANE Select); coding-DNA position 2384, G replaced by A.
Protein change: p.Arg795Gln; replaces arginine 795 with glutamine.
Molecular consequence: missense variant. On other transcripts: non-coding transcript variant (1).
Genome position (GRCh38, 1-based): chr1:70,038,208, G>A. VCF-style: chr1-70038208-G-A. GRCh37 (hg19) VCF-style: chr1-70503891-G-A.
Other names: c.2285G>A, p.Arg762Gln (NM_001330635.3, NM_001366841.1); c.2387G>A, p.Arg796Gln (NM_001350216.3); c.2384G>A, p.Arg795Gln (NM_001366838.3); c.2225G>A, p.Arg742Gln (NM_001366839.3); short protein forms R742Q, R762Q, R795Q, R796Q.
Identifiers: ClinVar variation 4874293 (VCV004874293.2).
Genomic context (GRCh38, chr1:70,038,208, plus strand): 5'-AGCCATTACTCAGCCAGCGGGAGGCTGTTCCCCCAGGCAATATACCACAGCGTCCTGACC[G>A]GCTGCCCATGAGTGATACTTTCACTGACAACTGGACTGATGGCTCGCATTATGACAACAC-3'
Protein context (NP_001357714.1, residues 785-805): PPGNIPQRPD[Arg795Gln]LPMSDTFTDN

ClinVar aggregate classification (germline): Likely benign (1 of 4 stars; one submission).

gnomAD v4.1: 13 of 1,614,130 alleles (0.00081%); highest among the groups gnomAD compares: Admixed American, 0.005%; no homozygotes.

Submission:

CeGaT Center for Human Genetics Tuebingen
Classification: Likely benign. Last evaluated: 2026-04-01. Review status: criteria provided, single submitter. Criteria: CeGaT Center For Human Genetics Tuebingen Variant Classification Criteria Version 2. Collection method: clinical testing. Allele origin: germline. Affected: yes. Observed: 1 variant allele.
Comment: LRRC7: BP4